The following is an entry in ClinVar:

ClinVar aggregate classification (germline): Likely benign. Review status: criteria provided, single submitter (1 of 4 stars). 2 submissions from 2 submitters: Likely benign (1). 1 of the submissions does not count toward it. Last evaluated 2026-01-19.

Conditions:
LRRC8A-related disorder. Also called: LRRC8A-related condition.

Allele frequency attached by ClinVar (database versions not stated): ExAC 0.00005; ESP Exome Variant Server 0.00008; gnomAD exomes 0.00008 and 0.00016; TOPMed 0.00012; gnomAD 0.00014 and 0.00015.
gnomAD v4.1: 271 of 1,613,476 alleles (0.017%); highest among the groups gnomAD compares: Non-Finnish European, 0.021%; no homozygotes.

Submissions (2):

Labcorp Genetics (formerly Invitae), Labcorp
Classification: Likely benign. Last evaluated: 2026-01-19. Review status: criteria provided, single submitter. Criteria: Invitae Variant Classification Sherloc (09022015). Collection method: clinical testing. Allele origin: germline.

PreventionGenetics, part of Exact Sciences
Classification: Likely benign for LRRC8A-related condition. Last evaluated: 2021-05-28. Review status: no assertion criteria provided. Collection method: clinical testing. Allele origin: germline. Not counted in ClinVar's aggregate classification.
Comment: This variant is classified as likely benign based on ACMG/AMP sequence variant interpretation guidelines (Richards et al. 2015 PMID: 25741868, with internal and published modifications).

NM_019594.4(LRRC8A):c.552G>A (p.Lys184=)

Gene: LRRC8A (leucine rich repeat containing 8 VRAC subunit A; plus strand). Cytogenetic location: 9q34.11.
Variant type: single nucleotide variant.
Coding change: c.552G>A on transcript NM_019594.4 (MANE Select); coding-DNA position 552, G replaced by A.
Protein change: p.Lys184=; no amino-acid change (lysine 184 retained).
Molecular consequence: synonymous variant.
Genome position (GRCh38, 1-based): chr9:128,907,716, G>A. VCF-style: chr9-128907716-G-A. GRCh37 (hg19) VCF-style: chr9-131669995-G-A.
Other names: c.552G>A, p.Lys184= (NM_001127244.2, NM_001127245.2); c.552G>A (NM_019594.3).
Identifiers: ClinVar variation 1551672 (VCV001551672.10), dbSNP rs201296136, ClinGen allele CA5270728.